The following is an entry in ClinVar:

NM_001267550.2(TTN):c.72296C>T (p.Ala24099Val)

Genes: TTN (titin; minus strand), TTN-AS1 (TTN antisense RNA 1; plus strand). Cytogenetic location: 2q31.2.
Variant type: single nucleotide variant.
Coding change: c.72296C>T on transcript NM_001267550.2 (MANE Select); coding-DNA position 72296, C replaced by T.
Protein change: p.Ala24099Val; replaces alanine 24099 with valine.
Molecular consequence: missense variant.
Genome position (GRCh38, 1-based): chr2:178,573,836, G>A on the plus strand (C>T on the coding strand, the complement: TTN is on the minus strand). VCF-style: chr2-178573836-G-A. GRCh37 (hg19) VCF-style: chr2-179438563-G-A.
Other names: p.A22458V:GCC>GTC; c.67373C>T, p.Ala22458Val (NM_001256850.1); c.45101C>T, p.Ala15034Val (NM_003319.4); c.64592C>T, p.Ala21531Val (NM_133378.4); c.45476C>T, p.Ala15159Val (NM_133432.3); c.45677C>T, p.Ala15226Val (NM_133437.4); short protein forms A22458V, A24099V, A15159V, A15226V, A15034V, A21531V.
Identifiers: ClinVar variation 202840 (VCV000202840.2), dbSNP rs781721483, ClinGen allele CA310448.

ClinVar aggregate classification (germline): Uncertain significance (1 of 4 stars; one submission).

Allele frequency attached by ClinVar (database versions not stated): gnomAD 0.00001; gnomAD exomes 0.00001 and 0.00003; TOPMed 0.00001; ExAC 0.00003.
gnomAD v4.1: 9 of 1,612,108 alleles (0.00056%); highest among the groups gnomAD compares: Admixed American, 0.013%; no homozygotes.

Submission:

GeneDx
Classification: Uncertain significance. Last evaluated: 2013-03-04. Review status: criteria provided, single submitter. Criteria: GeneDx Variant Classification (06012015). Collection method: clinical testing. Allele origin: germline. Affected: yes.
Comment: Missense variants in the TTN gene are considered 'unclassified' if they are not previously reported in the literature and do not have >1% frequency in the population to be considered a polymorphism. Research indicates that truncating mutations in the TTN gene are expected to account for approximately 25% of familial and 18% of sporadic idiopathic DCM; however, truncating variants in the TTN gene have been reported in approximately 3% of reported control alleles. There has been little investigation into non-truncating variants. (Herman D et al. Truncations of titin causing dilated cardiomyopathy. N Eng J Med 366:619-628, 2012) The variant is found in DCM panel(s).